The following is an entry in ClinVar:

NC_000010.11:g.71807935_71807952del

Gene: CDH23 (cadherin related 23; plus strand). Cytogenetic location: 10q22.1.
Variant type: Deletion.
Genome position: GRCh38 VCF-style: chr10-71807932-TACAGCATTCTGGCCATCC-T. GRCh37 (hg19) VCF-style: chr10-73567689-TACAGCATTCTGGCCATCC-T.
Other names: c.1930_1947del, p.Ser644_His649del (NM_001171933.1, NM_001171934.1); c.8650_8667del, p.Ser2884_His2889del (NM_022124.6).
Identifiers: ClinVar variation 46050 (VCV000046050.4), dbSNP rs397517359, ClinGen allele CA137600.

ClinVar aggregate classification (germline): Uncertain significance (1 of 4 stars; one submission).

Submission:

Laboratory for Molecular Medicine, Mass General Brigham Personalized Medicine
Classification: Uncertain significance. Last evaluated: 2011-11-15. Review status: criteria provided, single submitter. Criteria: LMM Criteria. Collection method: clinical testing. Allele origin: germline. Observed: 1 variant allele.
Comment: The Ser2884_His2889del variant in CDH23 has not been reported in the literature nor previously identified by our laboratory. This variant results in an in-frame deletion of 5 amino acids located in the cadherin domain of the CDH23 protein p roduct, however its impact on the function of the protein cannot be predicted. I n summary, the clinical significance of this protein cannot be determined with c ertainty at this time.